The following is an entry in ClinVar:

ClinVar aggregate classification (germline): Likely benign (1 of 4 stars; one submission).

Conditions:
GLIS3-related disorder. Also called: GLIS3-related condition.

gnomAD v4.1: 2 of 1,613,908 alleles (0.00012%); highest among the groups gnomAD compares: Non-Finnish European, 0.00017%; no homozygotes.

Submission:

PreventionGenetics, part of Exact Sciences
Classification: Likely benign for GLIS3-related condition. Last evaluated: 2025-12-26. Review status: criteria provided, single submitter. Criteria: ACMG Guidelines, 2015. Collection method: clinical testing. Allele origin: germline.
Comment: This variant is classified as likely benign based on ACMG/AMP sequence variant interpretation guidelines (Richards et al. 2015 PMID: 25741868, with internal and published modifications).

NM_001042413.2(GLIS3):c.459C>T (p.Ser153=)

Gene: GLIS3 (GLIS family zinc finger 3; minus strand). Cytogenetic location: 9p24.2.
Variant type: single nucleotide variant.
Coding change: c.459C>T on transcript NM_001042413.2 (MANE Select); coding-DNA position 459, C replaced by T.
Protein change: p.Ser153=; no amino-acid change (serine 153 retained).
Molecular consequence: synonymous variant. On other transcripts: 5 prime UTR variant (3), intron variant (3).
Genome position (GRCh38, 1-based): chr9:4,125,871, G>A on the plus strand (C>T on the coding strand, the complement: GLIS3 is on the minus strand). VCF-style: chr9-4125871-G-A. GRCh37 (hg19) VCF-style: chr9-4125871-G-A.
Other names: c.459C>T, p.Ser153= (NM_001438906.1, NM_001438907.1, NM_001438908.1 and 2 more transcripts); c.-7C>T (NM_001438909.1, NM_001438915.1, NM_152629.4); c.-70-6990C>T (NM_001438912.1, NM_001438911.1, NM_001438916.1).
Identifiers: ClinVar variation 4996491 (VCV004996491.1).
Genomic context (GRCh38, chr9:4,125,871, plus strand): 5'-TGTAGAGACCTGGCTTGCTGGAGGTGAAATGAGTCCCAGTCGCTGAACCATCATGGGACT[G>A]CTGGTGACCACTAGATTGTTGCAGCTGCCTTTTCCAATGGACTTGCACTGAGGCCCAAAG-3'
Protein context (NP_001035878.1, residues 143-163): KGSCNNLVVT[Ser153=]SPMMVQRLGL